The following is an entry in ClinVar:

NM_003919.3(SGCE):c.1046G>C (p.Arg349Thr)

Genes: CASD1 (CAS1 domain sialic acid O acetyltransferase 1; plus strand), SGCE (sarcoglycan epsilon; minus strand). Cytogenetic location: 7q21.3.
Variant type: single nucleotide variant.
Coding change: c.1046G>C on transcript NM_003919.3 (MANE Select); coding-DNA position 1046, G replaced by C.
Protein change: p.Arg349Thr; replaces arginine 349 with threonine.
Molecular consequence: missense variant. On other transcripts: intron variant (6).
Genome position (GRCh38, 1-based): chr7:94,599,715, C>G on the plus strand (G>C on the coding strand, the complement: SGCE is on the minus strand). VCF-style: chr7-94599715-C-G. GRCh37 (hg19) VCF-style: chr7-94229027-C-G.
Other names: c.1046G>C, p.Arg349Thr (NM_001099401.2); c.923G>C, p.Arg308Thr (NM_001301139.2); c.1154G>C, p.Arg385Thr (NM_001346713.2); c.959G>C, p.Arg320Thr (NM_001346719.2); c.773G>C, p.Arg258Thr (NM_001346720.2); c.915-752G>C (NM_001362809.2); c.1038-752G>C (NM_001346717.2, NM_001099400.2); c.1146-752G>C (NM_001346715.2); and 2 more; short protein forms R308T, R320T, R258T, R349T, R385T.
Identifiers: ClinVar variation 1483380 (VCV001483380.8), dbSNP rs1798921521, ClinGen allele CA368229648.

ClinVar aggregate classification (germline): Uncertain significance (1 of 4 stars; one submission).

Conditions:
Myoclonic dystonia 11 (DYT11). Also called: DYT-SGCE; Myoclonic dystonia; Dystonia 11; Dystonia, alcohol responsive; Hereditary essential myoclonus; SGCE Myoclonus-Dystonia. Identifiers: Orphanet 36899, MedGen C1834570, MONDO:0008044, OMIM 159900.

Submission:

Labcorp Genetics (formerly Invitae), Labcorp
Classification: Uncertain significance for Myoclonic dystonia 11. Last evaluated: 2024-10-15. Review status: criteria provided, single submitter. Criteria: Invitae Variant Classification Sherloc (09022015). Collection method: clinical testing. Allele origin: germline.
Comment: This sequence change replaces arginine, which is basic and polar, with threonine, which is neutral and polar, at codon 349 of the SGCE protein (p.Arg349Thr). This variant is not present in population databases (gnomAD no frequency). This variant has not been reported in the literature in individuals affected with SGCE-related conditions. ClinVar contains an entry for this variant (Variation ID: 1483380). Invitae Evidence Modeling of protein sequence and biophysical properties (such as structural, functional, and spatial information, amino acid conservation, physicochemical variation, residue mobility, and thermodynamic stability) has been performed for this missense variant. However, the output from this modeling did not meet the statistical confidence thresholds required to predict the impact of this variant on SGCE protein function. In summary, the available evidence is currently insufficient to determine the role of this variant in disease. Therefore, it has been classified as a Variant of Uncertain Significance.